The following is an entry in ClinVar:

NM_002878.4(RAD51D):c.707C>A (p.Thr236Asn)

Genes: RAD51L3-RFFL (RAD51L3-RFFL readthrough; minus strand), RAD51D (RAD51 paralog D; minus strand). Cytogenetic location: 17q12.
Variant type: single nucleotide variant.
Coding change: c.707C>A on transcript NM_002878.4 (MANE Select); coding-DNA position 707, C replaced by A.
Protein change: p.Thr236Asn; replaces threonine 236 with asparagine.
Molecular consequence: missense variant. On other transcripts: non-coding transcript variant (3).
Genome position (GRCh38, 1-based): chr17:35,103,285, G>T on the plus strand (C>A on the coding strand, the complement: RAD51D is on the minus strand). VCF-style: chr17-35103285-G-T. GRCh37 (hg19) VCF-style: chr17-33430304-G-T.
Other names: c.767C>A, p.Thr256Asn (NM_001142571.2); c.371C>A, p.Thr124Asn (NM_133629.3); short protein forms T124N, T236N, T256N.
Identifiers: ClinVar variation 1757034 (VCV001757034.6), dbSNP rs2142418390, ClinGen allele CA399087586.

ClinVar aggregate classification (germline): Uncertain significance. Review status: criteria provided, multiple submitters, no conflicts (2 of 4 stars). 2 submissions from 2 submitters: Uncertain significance (2). Last evaluated 2025-01-10.

Conditions:
Hereditary cancer-predisposing syndrome. Also called: Neoplastic Syndromes, Hereditary; Tumor predisposition; Hereditary Cancer Syndrome; Hereditary neoplastic syndrome. Identifiers: Orphanet 140162, MedGen C0027672, MeSH D009386, MONDO:0015356.
Breast-ovarian cancer, familial, susceptibility to, 4. Identifiers: Orphanet 145, MedGen C3280345, MONDO:0013669, OMIM 614291.

Allele frequency attached by ClinVar (database versions not stated): gnomAD exomes below 0.00001.
gnomAD v4.1: 2 of 1,611,696 alleles (0.00012%); highest among the groups gnomAD compares: South Asian, 0.0011%; no homozygotes.

Submissions (2):

Ambry Genetics
Classification: Uncertain significance for Hereditary cancer-predisposing syndrome. Last evaluated: 2025-01-10. Review status: criteria provided, single submitter. Criteria: Ambry Variant Classification Scheme 2023. Collection method: clinical testing. Allele origin: germline.
Comment: The p.T236N variant (also known as c.707C>A), located in coding exon 8 of the RAD51D gene, results from a C to A substitution at nucleotide position 707. The threonine at codon 236 is replaced by asparagine, an amino acid with similar properties. This amino acid position is well conserved in available vertebrate species. In addition, the in silico prediction for this alteration is inconclusive. Since supporting evidence is limited at this time, the clinical significance of this alteration remains unclear.

Labcorp Genetics (formerly Invitae), Labcorp
Classification: Uncertain significance for Breast-ovarian cancer, familial, susceptibility to, 4. Last evaluated: 2023-10-23. Review status: criteria provided, single submitter. Criteria: Invitae Variant Classification Sherloc (09022015). Collection method: clinical testing. Allele origin: germline.
Comment: This sequence change replaces threonine, which is neutral and polar, with asparagine, which is neutral and polar, at codon 236 of the RAD51D protein (p.Thr236Asn). This variant is not present in population databases (gnomAD no frequency). This variant has not been reported in the literature in individuals affected with RAD51D-related conditions. ClinVar contains an entry for this variant (Variation ID: 1757034). Advanced modeling of protein sequence and biophysical properties (such as structural, functional, and spatial information, amino acid conservation, physicochemical variation, residue mobility, and thermodynamic stability) performed at Invitae indicates that this missense variant is not expected to disrupt RAD51D protein function. In summary, the available evidence is currently insufficient to determine the role of this variant in disease. Therefore, it has been classified as a Variant of Uncertain Significance.